The following is an entry in ClinVar:

ClinVar aggregate classification (germline): Uncertain significance (1 of 4 stars; one submission).

Conditions:
TTC8-related disorder. Also called: TTC8-related condition.

Submission:

PreventionGenetics, part of Exact Sciences
Classification: Uncertain significance for TTC8-related condition. Last evaluated: 2025-09-26. Review status: criteria provided, single submitter. Criteria: ACMG Guidelines, 2015. Collection method: clinical testing. Allele origin: germline.
Comment: The TTC8 c.-34G>A variant is located in the 5' untranslated region. To our knowledge, this variant has not been reported in the literature or in a large population database (gnomAD), indicating this variant is rare. At this time, the clinical significance of this variant is uncertain due to the absence of conclusive functional and genetic evidence.

NM_144596.4(TTC8):c.-34G>A

Gene: TTC8 (tetratricopeptide repeat domain 8; plus strand). Cytogenetic location: 14q31.3.
Variant type: single nucleotide variant.
Coding change: c.-34G>A on transcript NM_144596.4 (MANE Select); 34 bases upstream of the start codon, G replaced by A.
Molecular consequence: 5 prime UTR variant. On other transcripts: non-coding transcript variant (1).
Genome position (GRCh38, 1-based): chr14:88,824,674, G>A. VCF-style: chr14-88824674-G-A. GRCh37 (hg19) VCF-style: chr14-89291018-G-A.
Other names: c.-34G>A (NM_001288781.1, NM_001366535.2, NM_001366536.2 and 2 more transcripts); c.-596G>A (NM_001288782.1); c.-691G>A (NM_001288783.1).
Identifiers: ClinVar variation 4993027 (VCV004993027.1).